The following is an entry in ClinVar:

NM_000038.6(APC):c.3704C>T (p.Ser1235Phe)

Gene: APC (APC regulator of Wnt signaling pathway; plus strand). Cytogenetic location: 5q22.2.
Variant type: single nucleotide variant.
Coding change: c.3704C>T on transcript NM_000038.6 (MANE Select); coding-DNA position 3704, C replaced by T.
Protein change: p.Ser1235Phe; replaces serine 1235 with phenylalanine.
Molecular consequence: missense variant.
Genome position (GRCh38, 1-based): chr5:112,839,298, C>T. VCF-style: chr5-112839298-C-T. GRCh37 (hg19) VCF-style: chr5-112174995-C-T.
Other names: c.3704C>T, p.Ser1235Phe (NM_001127510.3, NM_001354895.2); c.3650C>T, p.Ser1217Phe (NM_001127511.3); c.3758C>T, p.Ser1253Phe (NM_001354896.2); c.3734C>T, p.Ser1245Phe (NM_001354897.2); c.3629C>T, p.Ser1210Phe (NM_001354898.2); c.3620C>T, p.Ser1207Phe (NM_001354899.2); c.3581C>T, p.Ser1194Phe (NM_001354900.2); c.3527C>T, p.Ser1176Phe (NM_001354901.2); and 5 more; short protein forms S1235F, S1217F, S1075F, S1144F, S1176F, S1210F, S952F, S1134F.
Identifiers: ClinVar variation 469936 (VCV000469936.10), dbSNP rs1554085244, ClinGen allele CA16029462.

ClinVar aggregate classification (germline): Uncertain significance. Review status: criteria provided, multiple submitters, no conflicts (2 of 4 stars). 2 submissions from 2 submitters: Uncertain significance (2). Last evaluated 2025-07-31.

Conditions:
Familial adenomatous polyposis 1 (FAP1). Also called: POLYPOSIS, ADENOMATOUS INTESTINAL; FAMILIAL ADENOMATOUS POLYPOSIS 1, ATTENUATED. Identifiers: MedGen C2713442, MONDO:0021056, OMIM 175100. Disease mechanism: loss of function.
Hereditary cancer-predisposing syndrome. Also called: Hereditary neoplastic syndrome; Neoplastic Syndromes, Hereditary; Tumor predisposition; Hereditary Cancer Syndrome. Identifiers: Orphanet 140162, MedGen C0027672, MeSH D009386, MONDO:0015356.

Submissions (2):

Ambry Genetics
Classification: Uncertain significance for Hereditary cancer-predisposing syndrome. Last evaluated: 2025-07-31. Review status: criteria provided, single submitter. Criteria: Ambry Variant Classification Scheme 2023. Collection method: clinical testing. Allele origin: germline.
Comment: The p.S1235F variant (also known as c.3704C>T), located in coding exon 15 of the APC gene, results from a C to T substitution at nucleotide position 3704. The serine at codon 1235 is replaced by phenylalanine, an amino acid with highly dissimilar properties. This amino acid position is well conserved in available vertebrate species. In addition, in silico predictors for this gene do not accurately predict pathogenicity. Missense alterations in APC are not a common cause of disease (Spier I et al. Genet Med. 2024 Feb;26(2):100992). Based on the available evidence, the clinical significance of this variant remains unclear.

Labcorp Genetics (formerly Invitae), Labcorp
Classification: Uncertain significance for Familial adenomatous polyposis 1. Last evaluated: 2024-06-11. Review status: criteria provided, single submitter. Criteria: Invitae Variant Classification Sherloc (09022015). Collection method: clinical testing. Allele origin: germline.
Comment: This sequence change replaces serine, which is neutral and polar, with phenylalanine, which is neutral and non-polar, at codon 1235 of the APC protein (p.Ser1235Phe). This variant is not present in population databases (gnomAD no frequency). This variant has not been reported in the literature in individuals affected with APC-related conditions. ClinVar contains an entry for this variant (Variation ID: 469936). Advanced modeling of protein sequence and biophysical properties (such as structural, functional, and spatial information, amino acid conservation, physicochemical variation, residue mobility, and thermodynamic stability) performed at Invitae indicates that this missense variant is not expected to disrupt APC protein function with a negative predictive value of 95%. In summary, the available evidence is currently insufficient to determine the role of this variant in disease. Therefore, it has been classified as a Variant of Uncertain Significance.